The following is an entry in ClinVar:

NM_001080467.3(MYO5B):c.688A>G (p.Lys230Glu)

Gene: MYO5B (myosin VB; minus strand). Cytogenetic location: 18q21.1.
Variant type: single nucleotide variant.
Coding change: c.688A>G on transcript NM_001080467.3 (MANE Select); coding-DNA position 688, A replaced by G.
Protein change: p.Lys230Glu; replaces lysine 230 with glutamic acid.
Molecular consequence: missense variant.
Genome position (GRCh38, 1-based): chr18:49,992,356, T>C on the plus strand (A>G on the coding strand, the complement: MYO5B is on the minus strand). VCF-style: chr18-49992356-T-C. GRCh37 (hg19) VCF-style: chr18-47518726-T-C.
Other names: short protein forms K230E.
Identifiers: ClinVar variation 2104138 (VCV002104138.4), dbSNP rs1180455525, ClinGen allele CA402438532.

ClinVar aggregate classification (germline): Uncertain significance (1 of 4 stars; one submission).

Allele frequency attached by ClinVar (database versions not stated): TOPMed 0.00001.

Submission:

Labcorp Genetics (formerly Invitae), Labcorp
Classification: Uncertain significance. Last evaluated: 2022-02-27. Review status: criteria provided, single submitter. Criteria: Invitae Variant Classification Sherloc (09022015). Collection method: clinical testing. Allele origin: germline.
Comment: This sequence change replaces lysine, which is basic and polar, with glutamic acid, which is acidic and polar, at codon 230 of the MYO5B protein (p.Lys230Glu). This variant is not present in population databases (gnomAD no frequency). Algorithms developed to predict the effect of missense changes on protein structure and function are either unavailable or do not agree on the potential impact of this missense change (SIFT: "Deleterious"; PolyPhen-2: "Benign"; Align-GVGD: "Class C0"). In summary, the available evidence is currently insufficient to determine the role of this variant in disease. Therefore, it has been classified as a Variant of Uncertain Significance. This variant has not been reported in the literature in individuals affected with MYO5B-related conditions.